The following is an entry in ClinVar:

ClinVar aggregate classification (germline): Uncertain significance (1 of 4 stars; one submission).

Submission:

GeneDx
Classification: Uncertain significance. Last evaluated: 2025-01-02. Review status: criteria provided, single submitter. Criteria: GeneDx Variant Classification Process June 2021. Collection method: clinical testing. Allele origin: germline. Affected: yes.
Comment: Not observed at significant frequency in large population cohorts (gnomAD); In silico analysis supports that this missense variant has a deleterious effect on protein structure/function; Has not been previously published as pathogenic or benign to our knowledge

NM_012414.4(RAB3GAP2):c.2165A>C (p.Asp722Ala)

Gene: RAB3GAP2 (RAB3 GTPase activating non-catalytic protein subunit 2; minus strand). Cytogenetic location: 1q41.
Variant type: single nucleotide variant.
Coding change: c.2165A>C on transcript NM_012414.4 (MANE Select); coding-DNA position 2165, A replaced by C.
Protein change: p.Asp722Ala; replaces aspartic acid 722 with alanine.
Molecular consequence: missense variant.
Genome position (GRCh38, 1-based): chr1:220,182,765, T>G on the plus strand (A>C on the coding strand, the complement: RAB3GAP2 is on the minus strand). VCF-style: chr1-220182765-T-G. GRCh37 (hg19) VCF-style: chr1-220356107-T-G.
Other names: short protein forms D722A.
Identifiers: ClinVar variation 4055835 (VCV004055835.1).